The following is an entry in ClinVar:

NM_005902.4(SMAD3):c.835A>G (p.Arg279Gly)

Gene: SMAD3 (SMAD family member 3; plus strand). Cytogenetic location: 15q22.33.
Variant type: single nucleotide variant.
Coding change: c.835A>G on transcript NM_005902.4 (MANE Select); coding-DNA position 835, A replaced by G.
Protein change: p.Arg279Gly; replaces arginine 279 with glycine.
Molecular consequence: missense variant.
Genome position (GRCh38, 1-based): chr15:67,181,417, A>G. VCF-style: chr15-67181417-A-G. GRCh37 (hg19) VCF-style: chr15-67473755-A-G.
Other names: c.520A>G, p.Arg174Gly (NM_001145102.2); c.703A>G, p.Arg235Gly (NM_001145103.2); c.250A>G, p.Arg84Gly (NM_001145104.2); short protein forms R279G, R84G, R174G, R235G.
Identifiers: ClinVar variation 655657 (VCV000655657.1), dbSNP rs1595956756, ClinGen allele CA392956360.

ClinVar aggregate classification (germline): Uncertain significance (1 of 4 stars; one submission).

Conditions:
Familial thoracic aortic aneurysm and aortic dissection (TAAD). Also called: Thoracic aortic aneurysms and dissections. Identifiers: Orphanet 91387, MedGen C4707243, MONDO:0019625.

Submission:

Labcorp Genetics (formerly Invitae), Labcorp
Classification: Uncertain significance for Familial thoracic aortic aneurysm and aortic dissection. Last evaluated: 2018-10-08. Review status: criteria provided, single submitter. Criteria: Invitae Variant Classification Sherloc (09022015). Collection method: clinical testing. Allele origin: germline.
Comment: This sequence change replaces arginine with glycine at codon 279 of the SMAD3 protein (p.Arg279Gly). TheÂ¬â€ arginineÂ¬â€ residue is highly conserved and there is a moderate physicochemical difference betweenÂ¬â€ arginineÂ¬â€ andÂ¬â€ glycine. This variant is not present in population databases (ExAC no frequency). Algorithms developed to predict the effect of missense changes on protein structure and function are either unavailable or do not agree on the potential impact of this missense change (SIFT: "Not Available"; PolyPhen-2: "Probably Damaging"; Align-GVGD: "Not Available"). This variant disrupts theÂ¬â€ p.Arg279Â¬â€ amino acid residue in SMAD3. Other variant(s) that disrupt this residue have been observed in affected individuals (PMID:Â¬â€ 21778426), suggesting that it is a clinically significant residue. As a result, variants that disrupt this residue are likely to be causative of disease. In summary, the available evidence is currently insufficient to determine the role of this variant in disease. Therefore, it has been classified as a Variant of Uncertain Significance.